The following is an entry in ClinVar:

NM_005228.5(EGFR):c.761T>A (p.Phe254Tyr)

Gene: EGFR (epidermal growth factor receptor; plus strand). Cytogenetic location: 7p11.2.
Variant type: single nucleotide variant.
Coding change: c.761T>A on transcript NM_005228.5 (MANE Select); coding-DNA position 761, T replaced by A.
Protein change: p.Phe254Tyr; replaces phenylalanine 254 with tyrosine.
Molecular consequence: missense variant. On other transcripts: intron variant (1).
Genome position (GRCh38, 1-based): chr7:55,154,024, T>A. VCF-style: chr7-55154024-T-A. GRCh37 (hg19) VCF-style: chr7-55221717-T-A.
Other names: c.626T>A, p.Phe209Tyr (NM_001346897.2, NM_001346899.2); c.761T>A, p.Phe254Tyr (NM_001346898.2, NM_201282.2, NM_201283.2 and 1 more transcripts); c.602T>A, p.Phe201Tyr (NM_001346900.2); c.89-1806T>A (NM_001346941.2); short protein forms F254Y, F209Y, F201Y.
Identifiers: ClinVar variation 2130957 (VCV002130957.4), dbSNP rs2535505614, ClinGen allele CA367577612.

ClinVar aggregate classification (germline): Uncertain significance (1 of 4 stars; one submission).

Conditions:
EGFR-related lung cancer (EGFR). Identifiers: MedGen CN130014.

Submission:

Labcorp Genetics (formerly Invitae), Labcorp
Classification: Uncertain significance for EGFR-related lung cancer. Last evaluated: 2022-04-27. Review status: criteria provided, single submitter. Criteria: Invitae Variant Classification Sherloc (09022015). Collection method: clinical testing. Allele origin: germline.
Comment: In summary, the available evidence is currently insufficient to determine the role of this variant in disease. Therefore, it has been classified as a Variant of Uncertain Significance. Algorithms developed to predict the effect of missense changes on protein structure and function are either unavailable or do not agree on the potential impact of this missense change (SIFT: "Tolerated"; PolyPhen-2: "Probably Damaging"; Align-GVGD: "Class C0"). This variant has not been reported in the literature in individuals affected with EGFR-related conditions. This variant is not present in population databases (gnomAD no frequency). This sequence change replaces phenylalanine, which is neutral and non-polar, with tyrosine, which is neutral and polar, at codon 254 of the EGFR protein (p.Phe254Tyr).